The following is an entry in ClinVar:

ClinVar aggregate classification (germline): Uncertain significance. Review status: criteria provided, multiple submitters, no conflicts (2 of 4 stars). 2 submissions from 2 submitters: Uncertain significance (2). Last evaluated 2022-07-04.

Conditions:
Adams-Oliver syndrome 5 (AOS5). Identifiers: Orphanet 974, MedGen C4014970, MONDO:0014459, OMIM 616028.

Submissions (2):

Blueprint Genetics
Classification: Uncertain significance. Last evaluated: 2022-07-04. Review status: criteria provided, single submitter. Criteria: ACMG Guidelines, 2015. Collection method: clinical testing. Allele origin: germline.

Labcorp Genetics (formerly Invitae), Labcorp
Classification: Uncertain significance for Adams-Oliver syndrome 5. Last evaluated: 2022-06-05. Review status: criteria provided, single submitter. Criteria: Invitae Variant Classification Sherloc (09022015). Collection method: clinical testing. Allele origin: germline.
Comment: In summary, the available evidence is currently insufficient to determine the role of this variant in disease. Therefore, it has been classified as a Variant of Uncertain Significance. Advanced modeling of protein sequence and biophysical properties (such as structural, functional, and spatial information, amino acid conservation, physicochemical variation, residue mobility, and thermodynamic stability) performed at Invitae indicates that this missense variant is not expected to disrupt NOTCH1 protein function. This variant has not been reported in the literature in individuals affected with NOTCH1-related conditions. This variant is not present in population databases (gnomAD no frequency). This sequence change replaces valine, which is neutral and non-polar, with methionine, which is neutral and non-polar, at codon 1721 of the NOTCH1 protein (p.Val1721Met).

NM_017617.5(NOTCH1):c.5161G>A (p.Val1721Met)

Gene: NOTCH1 (notch receptor 1; minus strand). Cytogenetic location: 9q34.3.
Variant type: single nucleotide variant.
Coding change: c.5161G>A on transcript NM_017617.5 (MANE Select); coding-DNA position 5161, G replaced by A.
Protein change: p.Val1721Met; replaces valine 1721 with methionine.
Molecular consequence: missense variant.
Genome position (GRCh38, 1-based): chr9:136,503,188, C>T on the plus strand (G>A on the coding strand, the complement: NOTCH1 is on the minus strand). VCF-style: chr9-136503188-C-T. GRCh37 (hg19) VCF-style: chr9-139397640-C-T.
Other names: short protein forms V1721M.
Identifiers: ClinVar variation 2002498 (VCV002002498.5), dbSNP rs2133333106, ClinGen allele CA375641972.
Genomic context (GRCh38, chr9:136,503,188, plus strand): 5'-GGGGATGGCACCCCCTGCAGGCAGAGCCTGTTCCCGGGATGGGGCCACACTTACTCTGCA[C>T]GGCCTCGATCTTGTAGGGGATGTTGAGGCTGCCCAGCGAGGCGAGCGCTCCCAGGAATGC-3'
Protein context (NP_060087.3, residues 1711-1731): SLNIPYKIEA[Val1721Met]QSETVEPPPP